The following is an entry in ClinVar:

NM_003632.3(CNTNAP1):c.3016G>A (p.Gly1006Ser)

Gene: CNTNAP1 (contactin associated protein 1; plus strand). Cytogenetic location: 17q21.2.
Variant type: single nucleotide variant.
Coding change: c.3016G>A on transcript NM_003632.3 (MANE Select); coding-DNA position 3016, G replaced by A.
Protein change: p.Gly1006Ser; replaces glycine 1006 with serine.
Molecular consequence: missense variant.
Genome position (GRCh38, 1-based): chr17:42,695,544, G>A. VCF-style: chr17-42695544-G-A. GRCh37 (hg19) VCF-style: chr17-40847562-G-A.
Other names: short protein forms G1006S.
Identifiers: ClinVar variation 1390113 (VCV001390113.6), dbSNP rs2053140285, ClinGen allele CA399623322.

ClinVar aggregate classification (germline): Uncertain significance (1 of 4 stars; one submission).

Allele frequency attached by ClinVar (database versions not stated): gnomAD 0.00001; TOPMed 0.00001.
gnomAD v4.1: 1 of 1,604,766 alleles (0.000062%); no homozygotes.

Submission:

Labcorp Genetics (formerly Invitae), Labcorp
Classification: Uncertain significance. Last evaluated: 2024-10-28. Review status: criteria provided, single submitter. Criteria: Invitae Variant Classification Sherloc (09022015). Collection method: clinical testing. Allele origin: germline.
Comment: This sequence change replaces glycine, which is neutral and non-polar, with serine, which is neutral and polar, at codon 1006 of the CNTNAP1 protein (p.Gly1006Ser). This variant is not present in population databases (gnomAD no frequency). This variant has not been reported in the literature in individuals affected with CNTNAP1-related conditions. ClinVar contains an entry for this variant (Variation ID: 1390113). An algorithm developed to predict the effect of missense changes on protein structure and function (PolyPhen-2) suggests that this variant is likely to be disruptive. In summary, the available evidence is currently insufficient to determine the role of this variant in disease. Therefore, it has been classified as a Variant of Uncertain Significance.